The following continues an entry in ClinVar:

NM_206933.4(USH2A):c.1036A>C (p.Asn346His)

Gene: USH2A. ClinVar aggregate classification (germline): Pathogenic. Pathogenic (1).

Submissions 11 to 16 of 16:

Institute of Medical Genetics and Applied Genomics, University Hospital Tübingen
Classification: Pathogenic. Last evaluated: 2020-10-23. Review status: criteria provided, single submitter. Criteria: ACMG Guidelines, 2015. Collection method: clinical testing. Allele origin: germline. Inheritance: Autosomal recessive inheritance. Affected: yes. Not counted in ClinVar's aggregate classification.

Eurofins Ntd Llc (ga)
Classification: Pathogenic. Last evaluated: 2017-03-17. Review status: criteria provided, single submitter. Criteria: EGL Classification Definitions 2015. Collection method: clinical testing. Allele origin: germline. Observed: 2 variant alleles, 2 heterozygotes. Not counted in ClinVar's aggregate classification.

Laboratory for Molecular Medicine, Mass General Brigham Personalized Medicine
Classification: Likely pathogenic for Rare genetic deafness. Last evaluated: 2012-07-26. Review status: criteria provided, single submitter. Criteria: LMM Criteria. Collection method: clinical testing. Allele origin: germline. Inheritance: Autosomal recessive inheritance. Observed: 1 variant allele. Not counted in ClinVar's aggregate classification.
Comment: The Asn346His variant in USH2A has been reported in 10 individuals with type II Usher syndrome (Weston 2000, Baux 2007, Dreyer 2000, Ouyang 2004, Pennings 2004, Vastinsalo 2012). 3/10 of these individuals were compound heterozygous. The As n residue at position 346 is highly conserved. This variant has been identified in 0.01% (1/8600) of European American chromosomes from a broad population by th e NHLBI Exome Sequencing Project. Although t his variant has been seen in the general population, its frequency is low enough to be consistent with a recessive carrier frequency. In summary, this variant i s likely pathogenic, though additional studies are required to fully establish i ts clinical significance.

Counsyl
Classification: Likely pathogenic for Usher syndrome type 2A. Last evaluated: 2016-08-18. Review status: no assertion criteria provided. Collection method: clinical testing. Allele origin: unknown. Not counted in ClinVar's aggregate classification.

Counsyl
Classification: Likely pathogenic for Retinitis pigmentosa 39. Last evaluated: 2016-08-18. Review status: no assertion criteria provided. Collection method: clinical testing. Allele origin: unknown. Not counted in ClinVar's aggregate classification.

Genomics England Pilot Project, Genomics England
Classification: Likely pathogenic for Usher syndrome type 2A. Review status: no assertion criteria provided. Criteria: ACGS Guidelines, 2016. Collection method: clinical testing. Allele origin: germline. Affected: yes. Not counted in ClinVar's aggregate classification.

Literature cited by the submitters: PubMed 10729113 (cited by 6 submitters); PubMed 24160897 (cited by 4 submitters); PubMed 26969326 (cited by 4 submitters); PubMed 25521520 (cited by 5 submitters); PubMed 15241801 (cited by 4 submitters); PubMed 17405132 (cited by 4 submitters); PubMed 22135276 (cited by 3 submitters); PubMed 19129697 (cited by Labcorp Genetics (formerly Invitae), Labcorp); PubMed 25097241 (cited by Labcorp Genetics (formerly Invitae), Labcorp and Institute of Human Genetics, Univ. Regensburg, Univ. Regensburg); PubMed 28559085 (cited by Labcorp Genetics (formerly Invitae), Labcorp and Institute of Human Genetics, Univ. Regensburg, Univ. Regensburg); PubMed 29343940 (cited by Labcorp Genetics (formerly Invitae), Labcorp and Institute of Human Genetics, Univ. Regensburg, Univ. Regensburg); PubMed 28944237 (cited by Victorian Clinical Genetics Services, Murdoch Childrens Research Institute); PubMed 34906470 (cited by Broad Center for Mendelian Genomics, Broad Institute of MIT and Harvard); PubMed 22681893 (cited by Broad Center for Mendelian Genomics, Broad Institute of MIT and Harvard and Laboratory for Molecular Medicine, Mass General Brigham Personalized Medicine); PubMed 18273898 (cited by Broad Center for Mendelian Genomics, Broad Institute of MIT and Harvard and Counsyl); PubMed 25333064 (cited by Broad Center for Mendelian Genomics, Broad Institute of MIT and Harvard and Counsyl); PubMed 15025721 (cited by Broad Center for Mendelian Genomics, Broad Institute of MIT and Harvard and Laboratory for Molecular Medicine, Mass General Brigham Personalized Medicine); PubMed 26927203 (cited by Institute of Human Genetics, Univ. Regensburg, Univ. Regensburg); PubMed 31047384 (cited by Institute of Human Genetics, Univ. Regensburg, Univ. Regensburg); PubMed 30311386 (cited by Institute of Human Genetics, Univ. Regensburg, Univ. Regensburg); PubMed 31964843 (cited by Institute of Human Genetics, Univ. Regensburg, Univ. Regensburg); PubMed 31429209 (cited by Institute of Human Genetics, Univ. Regensburg, Univ. Regensburg); PubMed 32664777 (cited by Institute of Human Genetics, Univ. Regensburg, Univ. Regensburg); PubMed 32037395 (cited by Institute of Human Genetics, Univ. Regensburg, Univ. Regensburg); PubMed 34948090 (cited by Institute of Human Genetics, Univ. Regensburg, Univ. Regensburg); PubMed 34758253 (cited by Institute of Human Genetics, Univ. Regensburg, Univ. Regensburg); PubMed 35266249 (cited by Institute of Human Genetics, Univ. Regensburg, Univ. Regensburg); PubMed 10909849 (cited by Laboratory for Molecular Medicine, Mass General Brigham Personalized Medicine).